The following is an entry in ClinVar:

NM_001271.4(CHD2):c.3063dup (p.Lys1022Ter)

Genes: CHD2 (chromodomain helicase DNA binding protein 2; plus strand), LOC126862230 (P300/CBP strongly-dependent group 1 enhancer GRCh37_chr15:93523977-93525176; plus strand). Cytogenetic location: 15q26.1.
Variant type: Duplication.
Coding change: c.3063dup on transcript NM_001271.4 (MANE Select); coding-DNA position 3063, one base duplicated (T; older notation c.3063dupT).
Protein change: p.Lys1022Ter; replaces lysine 1022 with a stop codon.
Molecular consequence: nonsense.
Genome position (GRCh38, 1-based): chr15:92,981,454, T duplicated; the last of 3 consecutive T bases (chr15:92,981,452-92,981,454); duplicating any one gives the same sequence. VCF-style (leftmost placement, unchanged base first): chr15-92981451-G-GT. GRCh37 (hg19) VCF-style: chr15-93524681-G-GT.
Other names: short protein forms K1022*.
Identifiers: ClinVar variation 2726750 (VCV002726750.3), dbSNP rs2505551595, ClinGen allele CA2697549362.

ClinVar aggregate classification (germline): Pathogenic (1 of 4 stars; one submission).

Conditions:
Developmental and epileptic encephalopathy 94 (DEE94). Also called: Epileptic encephalopathy, childhood-onset; CHD2-Related Neurodevelopmental Disorders. Identifiers: Orphanet 1942, Orphanet 2382, MedGen C3809278, MONDO:0014150, OMIM 615369.

Submission:

Labcorp Genetics (formerly Invitae), Labcorp
Classification: Pathogenic for Developmental and epileptic encephalopathy 94. Last evaluated: 2023-06-23. Review status: criteria provided, single submitter. Criteria: Invitae Variant Classification Sherloc (09022015). Collection method: clinical testing. Allele origin: germline.
Comment: This variant has not been reported in the literature in individuals affected with CHD2-related conditions. For these reasons, this variant has been classified as Pathogenic. This variant is not present in population databases (gnomAD no frequency). This sequence change creates a premature translational stop signal (p.Lys1022*) in the CHD2 gene. It is expected to result in an absent or disrupted protein product. Loss-of-function variants in CHD2 are known to be pathogenic (PMID: 23708187, 24207121).

Literature cited by the submitters: PubMed 23708187; PubMed 24207121.